The following is an entry in ClinVar:

ClinVar aggregate classification (germline): Conflicting classifications of pathogenicity. Review status: criteria provided, conflicting classifications (1 of 4 stars). 4 submissions from 4 submitters: Uncertain significance (3); Benign (1). Last evaluated 2025-12-01.

Conditions:
Hereditary cancer-predisposing syndrome. Also called: Tumor predisposition; Hereditary neoplastic syndrome; Neoplastic Syndromes, Hereditary; Hereditary Cancer Syndrome. Identifiers: Orphanet 140162, MedGen C0027672, MeSH D009386, MONDO:0015356.
Tuberous sclerosis 2 (TSC2). Identifiers: Orphanet 805, MedGen C1860707, MONDO:0013199, OMIM 613254.
Tuberous sclerosis syndrome (TSC). Also called: Tuberous Sclerosis Complex; Tuberous sclerosis. Identifiers: Orphanet 805, MedGen C0041341, MONDO:0001734.

Allele frequency attached by ClinVar (database versions not stated): gnomAD 0.00001; ExAC 0.00002; gnomAD exomes 0.00003.
gnomAD v4.1: 14 of 1,612,646 alleles (0.00087%); highest among the groups gnomAD compares: Non-Finnish European, 0.00034%; no homozygotes.

Submissions (4):

Ambry Genetics
Classification: Uncertain significance for Hereditary cancer-predisposing syndrome. Last evaluated: 2025-12-01. Review status: criteria provided, single submitter. Criteria: Ambry Variant Classification Scheme 2023. Collection method: clinical testing. Allele origin: germline.
Comment: The p.V1531M variant (also known as c.4591G>A), located in coding exon 35 of the TSC2 gene, results from a G to A substitution at nucleotide position 4591. The valine at codon 1531 is replaced by methionine, an amino acid with highly similar properties. This amino acid position is highly conserved in available vertebrate species. In addition, this alteration is predicted to be deleterious by in silico analysis. Since supporting evidence is limited at this time, the clinical significance of this alteration remains unclear.

Labcorp Genetics (formerly Invitae), Labcorp
Classification: Benign for Tuberous sclerosis 2. Last evaluated: 2025-07-04. Review status: criteria provided, single submitter. Criteria: Invitae Variant Classification Sherloc (09022015). Collection method: clinical testing. Allele origin: germline.

All of Us Research Program, National Institutes of Health
Classification: Uncertain significance for Tuberous sclerosis syndrome. Last evaluated: 2024-08-06. Review status: criteria provided, single submitter. Criteria: ACMG Guidelines, 2015. Collection method: clinical testing. Allele origin: germline. Inheritance: Autosomal dominant inheritance. Observed: 1 variant allele, 1 heterozygote.
Comment: This study involves interpretation of variants in research participants for the purpose of population health screening. Participant phenotype was not available at the time of variant classification. Additional details can be found in publication PMID: 35346344, PMCID: PMC8962531

Blueprint Genetics
Classification: Uncertain significance. Last evaluated: 2019-11-29. Review status: criteria provided, single submitter. Criteria: ACMG Guidelines, 2015. Collection method: clinical testing. Allele origin: germline.

NM_000548.5(TSC2):c.4591G>A (p.Val1531Met)

Gene: TSC2 (TSC complex subunit 2; plus strand). Cytogenetic location: 16p13.3.
Variant type: single nucleotide variant.
Coding change: c.4591G>A on transcript NM_000548.5 (MANE Select); coding-DNA position 4591, G replaced by A.
Protein change: p.Val1531Met; replaces valine 1531 with methionine.
Molecular consequence: missense variant.
Genome position (GRCh38, 1-based): chr16:2,085,251, G>A. VCF-style: chr16-2085251-G-A. GRCh37 (hg19) VCF-style: chr16-2135252-G-A.
Other names: c.4390G>A, p.Val1464Met (NM_001077183.3); c.4522G>A, p.Val1508Met (NM_001114382.3); c.4282G>A, p.Val1428Met (NM_001318827.2); c.4246G>A, p.Val1416Met (NM_001318829.2); c.3859G>A, p.Val1287Met (NM_001318831.2); c.4423G>A, p.Val1475Met (NM_001318832.2); c.4393G>A, p.Val1465Met (NM_001363528.2); c.4459G>A, p.Val1487Met (NM_001370404.1); and 1 more; short protein forms V1465M, V1487M, V1531M, V1287M, V1416M, V1475M, V1428M, V1464M.
Identifiers: ClinVar variation 1398100 (VCV001398100.13), dbSNP rs762797016, ClinGen allele CA051890.